The following is an entry in ClinVar:

NM_001166108.2(PALLD):c.2858G>A (p.Gly953Glu)

Genes: CBR4 (carbonyl reductase 4; minus strand), PALLD (palladin, cytoskeletal associated protein; plus strand). Cytogenetic location: 4q32.3.
Variant type: single nucleotide variant.
Coding change: c.2858G>A on transcript NM_001166108.2 (MANE Select); coding-DNA position 2858, G replaced by A.
Protein change: p.Gly953Glu; replaces glycine 953 with glutamic acid.
Molecular consequence: missense variant.
Genome position (GRCh38, 1-based): chr4:168,921,541, G>A. VCF-style: chr4-168921541-G-A. GRCh37 (hg19) VCF-style: chr4-169842692-G-A.
Other names: c.1661G>A, p.Gly554Glu (NM_001166109.2); c.1346G>A, p.Gly449Glu (NM_001166110.2); c.686G>A, p.Gly229Glu (NM_001367567.1, NM_001367569.1); c.737G>A, p.Gly246Glu (NM_001367568.1, NM_001367570.1); c.2807G>A, p.Gly936Glu (NM_016081.4); short protein forms G246E, G936E, G953E, G449E, G554E, G229E.
Identifiers: ClinVar variation 1523251 (VCV001523251.9), dbSNP rs753316618, ClinGen allele CA3135981.

ClinVar aggregate classification (germline): Uncertain significance. Review status: criteria provided, multiple submitters, no conflicts (2 of 4 stars). 2 submissions from 2 submitters: Uncertain significance (2). Last evaluated 2024-09-02.

Conditions:
Pancreatic adenocarcinoma. Identifiers: MedGen C0281361, MONDO:0006047, HP:0006725.

Allele frequency attached by ClinVar (database versions not stated): gnomAD 0.00001.
gnomAD v4.1: 2 of 1,600,574 alleles (0.00012%); highest among the groups gnomAD compares: Non-Finnish European, 0.000085%; no homozygotes.

Submissions (2):

Ambry Genetics
Classification: Uncertain significance. Last evaluated: 2024-09-02. Review status: criteria provided, single submitter. Criteria: Ambry Variant Classification Scheme 2023. Collection method: clinical testing. Allele origin: germline.
Comment: The p.G936E variant (also known as c.2807G>A), located in coding exon 16 of the PALLD gene, results from a G to A substitution at nucleotide position 2807. The glycine at codon 936 is replaced by glutamic acid, an amino acid with similar properties. This amino acid position is conserved. In addition, this alteration is predicted to be deleterious by in silico analysis. Since supporting evidence is limited at this time, the clinical significance of this alteration remains unclear.

Labcorp Genetics (formerly Invitae), Labcorp
Classification: Uncertain significance for Pancreatic adenocarcinoma. Last evaluated: 2021-10-01. Review status: criteria provided, single submitter. Criteria: Invitae Variant Classification Sherloc (09022015). Collection method: clinical testing. Allele origin: germline.
Comment: This sequence change replaces glycine with glutamic acid at codon 449 of the PALLD protein (p.Gly449Glu). The glycine residue is highly conserved and there is a moderate physicochemical difference between glycine and glutamic acid. In summary, the available evidence is currently insufficient to determine the role of this variant in disease. Therefore, it has been classified as a Variant of Uncertain Significance. Algorithms developed to predict the effect of sequence changes on RNA splicing suggest that this variant may create or strengthen a splice site. Algorithms developed to predict the effect of missense changes on protein structure and function (SIFT, PolyPhen-2, Align-GVGD) all suggest that this variant is likely to be disruptive. This variant has not been reported in the literature in individuals affected with PALLD-related conditions. The frequency data for this variant in the population databases is considered unreliable, as metrics indicate poor data quality at this position in the ExAC database.